The following is an entry in ClinVar:

NM_003331.5(TYK2):c.1912C>T (p.Arg638Ter)

Gene: TYK2 (tyrosine kinase 2; minus strand). Cytogenetic location: 19p13.2.
Variant type: single nucleotide variant.
Coding change: c.1912C>T on transcript NM_003331.5 (MANE Select); coding-DNA position 1912, C replaced by T.
Protein change: p.Arg638Ter; replaces arginine 638 with a stop codon.
Molecular consequence: nonsense.
Genome position (GRCh38, 1-based): chr19:10,361,817, G>A on the plus strand (C>T on the coding strand, the complement: TYK2 is on the minus strand). VCF-style: chr19-10361817-G-A. GRCh37 (hg19) VCF-style: chr19-10472493-G-A.
Other names: c.1912C>T (LRG_121t1); short protein forms R638*.
Identifiers: ClinVar variation 224888 (VCV000224888.5), dbSNP rs201025290, ClinGen allele CA354999.

ClinVar aggregate classification (germline): Pathogenic. Review status: criteria provided, multiple submitters, no conflicts (2 of 4 stars). 3 submissions from 3 submitters: Pathogenic (2). 1 of the submissions does not count toward it. Last evaluated 2025-05-13.

Conditions:
TYK2-related disorder. Also called: TYK2-related condition.
Immunodeficiency 35 (IMD35). Also called: Susceptibility to infection due to TYK2 deficiency; HIES WITH ATYPICAL MYCOBACTERIOSIS, AUTOSOMAL RECESSIVE; HYPER-IgE SYNDROME WITH ATYPICAL MYCOBACTERIOSIS, AUTOSOMAL RECESSIVE; TYK2 DEFICIENCY. Identifiers: Orphanet 331226, MedGen C1969086, MONDO:0012682, OMIM 611521.

Allele frequency attached by ClinVar (database versions not stated): gnomAD exomes below 0.00001; ExAC 0.00001; gnomAD 0.00001; 1000 Genomes Project 30x 0.00016; 1000 Genomes Project 0.00020.
gnomAD v4.1: 6 of 1,613,870 alleles (0.00037%); highest among the groups gnomAD compares: East Asian, 0.0045%; no homozygotes.

Submissions (3):

PreventionGenetics, part of Exact Sciences
Classification: Pathogenic for TYK2-related condition. Last evaluated: 2025-05-13. Review status: criteria provided, single submitter. Criteria: ACMG Guidelines, 2015. Collection method: clinical testing. Allele origin: germline.
Comment: The TYK2 c.1912C>T variant is predicted to result in premature protein termination (p.Arg638*). This variant has been reported in the homozygous state in an individual affected with TYK2-deficiency (Kreins et al. 2015. PubMed ID: 26304966). This variant is reported in 0.010% of alleles in individuals of East Asian descent in gnomAD. Nonsense variants in TYK2 are expected to be pathogenic. This variant is interpreted as pathogenic.

Labcorp Genetics (formerly Invitae), Labcorp
Classification: Pathogenic for Immunodeficiency 35. Last evaluated: 2024-12-24. Review status: criteria provided, single submitter. Criteria: Invitae Variant Classification Sherloc (09022015). Collection method: clinical testing. Allele origin: germline.
Comment: This sequence change creates a premature translational stop signal (p.Arg638*) in the TYK2 gene. It is expected to result in an absent or disrupted protein product. Loss-of-function variants in TYK2 are known to be pathogenic (PMID: 22402565, 26304966). This variant is present in population databases (rs201025290, gnomAD 0.06%). This premature translational stop signal has been observed in individual(s) with clinical features of TYK2-related conditions (PMID: 26304966). ClinVar contains an entry for this variant (Variation ID: 224888). For these reasons, this variant has been classified as Pathogenic.

OMIM
Classification: Pathogenic for IMMUNODEFICIENCY 35. Last evaluated: 2018-08-31. Review status: no assertion criteria provided. Collection method: literature only. Allele origin: germline. Not counted in ClinVar's aggregate classification.

Literature cited by the submitters: PubMed 22402565 (cited by Labcorp Genetics (formerly Invitae), Labcorp); PubMed 26304966 (cited by Labcorp Genetics (formerly Invitae), Labcorp and OMIM).